The following is an entry in ClinVar:

ClinVar aggregate classification (germline): Uncertain significance (1 of 4 stars; one submission).

Allele frequency attached by ClinVar (database versions not stated): gnomAD exomes below 0.00001.
gnomAD v4.1: 2 of 1,608,302 alleles (0.00012%); highest among the groups gnomAD compares: South Asian, 0.0011%; no homozygotes.

Submission:

Labcorp Genetics (formerly Invitae), Labcorp
Classification: Uncertain significance. Last evaluated: 2022-07-16. Review status: criteria provided, single submitter. Criteria: Invitae Variant Classification Sherloc (09022015). Collection method: clinical testing. Allele origin: germline.
Comment: In summary, the available evidence is currently insufficient to determine the role of this variant in disease. Therefore, it has been classified as a Variant of Uncertain Significance. Algorithms developed to predict the effect of missense changes on protein structure and function are either unavailable or do not agree on the potential impact of this missense change (SIFT: "Not Available"; PolyPhen-2: "Probably Damaging"; Align-GVGD: "Not Available"). ClinVar contains an entry for this variant (Variation ID: 1395026). This variant has not been reported in the literature in individuals affected with ASXL3-related conditions. This variant is not present in population databases (gnomAD no frequency). This sequence change replaces arginine with glutamine at codon 232 of the ASXL3 protein (p.Arg232Gln). The arginine residue is highly conserved and there is a small physicochemical difference between arginine and glutamine.

NM_030632.3(ASXL3):c.695G>A (p.Arg232Gln)

Gene: ASXL3 (ASXL transcriptional regulator 3; plus strand). Cytogenetic location: 18q12.1.
Variant type: single nucleotide variant.
Coding change: c.695G>A on transcript NM_030632.3 (MANE Select); coding-DNA position 695, G replaced by A.
Protein change: p.Arg232Gln; replaces arginine 232 with glutamine.
Molecular consequence: missense variant.
Genome position (GRCh38, 1-based): chr18:33,671,846, G>A. VCF-style: chr18-33671846-G-A. GRCh37 (hg19) VCF-style: chr18-31251810-G-A.
Other names: short protein forms R232Q.
Identifiers: ClinVar variation 1395026 (VCV001395026.8), dbSNP rs1350393309, ClinGen allele CA402168469.
Genomic context (GRCh38, chr18:33,671,846, plus strand): 5'-AAGAAATGAAACATGGGCAAAAATCTCCCACTGGAAAACAAACAAGTCAGCACTTAAAAC[G>A]ATTAAAAAAGTCTGGTTTAGGTGAGTGTTTAATAGACTATGCCATTTCACATTTTAGAAA-3'
Protein context (NP_085135.1, residues 222-242): TGKQTSQHLK[Arg232Gln]LKKSGLGHLK